The following is an entry in ClinVar:

ClinVar aggregate classification (germline): Uncertain significance (1 of 4 stars; one submission).

Conditions:
Hereditary cancer-predisposing syndrome. Also called: Tumor predisposition; Neoplastic Syndromes, Hereditary; Hereditary neoplastic syndrome; Hereditary Cancer Syndrome. Identifiers: Orphanet 140162, MedGen C0027672, MeSH D009386, MONDO:0015356.

Submission:

Ambry Genetics
Classification: Uncertain significance for Hereditary cancer-predisposing syndrome. Last evaluated: 2025-08-27. Review status: criteria provided, single submitter. Criteria: Ambry Variant Classification Scheme 2023. Collection method: clinical testing. Allele origin: germline.
Comment: The p.A69D variant (also known as c.206C>A), located in coding exon 3 of the MUTYH gene, results from a C to A substitution at nucleotide position 206. The alanine at codon 69 is replaced by aspartic acid, an amino acid with dissimilar properties. This amino acid position is conserved. In addition, this alteration is predicted to be tolerated by in silico analysis. Based on the available evidence, the clinical significance of this variant remains unclear.

NM_001048174.2(MUTYH):c.122C>A (p.Ala41Asp)

Gene: MUTYH (mutY DNA glycosylase; minus strand). Cytogenetic location: 1p34.1.
Variant type: single nucleotide variant.
Coding change: c.122C>A on transcript NM_001048174.2 (MANE Select); coding-DNA position 122, C replaced by A.
Protein change: p.Ala41Asp; replaces alanine 41 with aspartic acid.
Molecular consequence: missense variant. On other transcripts: non-coding transcript variant (5), intron variant (5), 5 prime UTR variant (1).
Genome position (GRCh38, 1-based): chr1:45,333,555, G>T on the plus strand (C>A on the coding strand, the complement: MUTYH is on the minus strand). VCF-style: chr1-45333555-G-T. GRCh37 (hg19) VCF-style: chr1-45799227-G-T.
Other names: c.125C>A, p.Ala42Asp (NM_001407079.1, NM_001407086.1, NM_001048172.2 and 2 more transcripts); c.122C>A, p.Ala41Asp (NM_001407080.1, NM_001407081.1, NM_001407088.1 and 6 more transcripts); c.164C>A, p.Ala55Asp (NM_001407083.1, NM_001407085.1, NM_001407073.1); c.143C>A, p.Ala48Asp (NM_001407087.1); c.197C>A, p.Ala66Asp (NM_012222.3, NM_001407069.1); c.-92-58C>A (NM_001350651.2, NM_001407082.1); c.-97-58C>A (NM_001293192.2, NM_001293196.2, NM_001407091.1); c.206C>A, p.Ala69Asp (NM_001128425.2); and 4 more; short protein forms A13D, A56D, A42D, A69D, A48D, A55D, A66D, A41D.
Identifiers: ClinVar variation 4112875 (VCV004112875.1).